The following is an entry in ClinVar:

NM_020964.3(EPG5):c.4243A>T (p.Asn1415Tyr)

Gene: EPG5 (ectopic P-granules 5 autophagy tethering factor; minus strand). Cytogenetic location: 18q21.1.
Variant type: single nucleotide variant.
Coding change: c.4243A>T on transcript NM_020964.3 (MANE Select); coding-DNA position 4243, A replaced by T.
Protein change: p.Asn1415Tyr; replaces asparagine 1415 with tyrosine.
Molecular consequence: missense variant.
Genome position (GRCh38, 1-based): chr18:45,908,044, T>A on the plus strand (A>T on the coding strand, the complement: EPG5 is on the minus strand). VCF-style: chr18-45908044-T-A. GRCh37 (hg19) VCF-style: chr18-43488009-T-A.
Other names: short protein forms N1415Y.
Identifiers: ClinVar variation 1313856 (VCV001313856.2), dbSNP rs767091703, ClinGen allele CA8948929.

ClinVar aggregate classification (germline): Uncertain significance (1 of 4 stars; one submission).

Allele frequency attached by ClinVar (database versions not stated): gnomAD exomes below 0.00001; TOPMed below 0.00001; ExAC 0.00001.

Submission:

GeneDx
Classification: Uncertain significance. Last evaluated: 2021-01-22. Review status: criteria provided, single submitter. Criteria: GeneDx Variant Classification Process June 2021. Collection method: clinical testing. Allele origin: germline. Affected: yes.
Comment: Not observed in large population cohorts (Lek et al., 2016); In silico analysis supports that this missense variant has a deleterious effect on protein structure/function; Has not been previously published as pathogenic or benign to our knowledge